The following is an entry in ClinVar:

ClinVar aggregate classification (germline): Likely pathogenic (3 of 4 stars; one submission).

Conditions:
Lynch syndrome. Identifiers: Orphanet 144, MedGen C4552100, MONDO:0005835. Disease mechanism: loss of function.

Submission:

International Society for Gastrointestinal Hereditary Tumours (InSiGHT)
Classification: Likely pathogenic for Lynch syndrome. Last evaluated: 2018-10-18. Review status: reviewed by expert panel. Criteria: Guidelines v2.4. Collection method: curation. Allele origin: germline. Affected: yes.
Comment: Multifactorial likelihood analysis posterior probability > 0.95 (0.985)

NM_000179.3(MSH6):c.1252T>C (p.Ser418Pro)

Gene: MSH6 (mutS homolog 6; plus strand). Cytogenetic location: 2p16.3.
Variant type: single nucleotide variant.
Coding change: c.1252T>C on transcript NM_000179.3 (MANE Select); coding-DNA position 1252, T replaced by C.
Protein change: p.Ser418Pro; replaces serine 418 with proline.
Molecular consequence: missense variant.
Genome position (GRCh38, 1-based): chr2:47,799,235, T>C. VCF-style: chr2-47799235-T-C. GRCh37 (hg19) VCF-style: chr2-48026374-T-C.
Other names: c.862T>C, p.Ser288Pro (NM_001281492.2); c.346T>C, p.Ser116Pro (NM_001281493.2, NM_001281494.2); short protein forms S418P, S116P, S288P.
Identifiers: ClinVar variation 633497 (VCV000633497.1), dbSNP rs1251033858, ClinGen allele CA346743849.